The following is an entry in ClinVar:

NM_004082.5(DCTN1):c.559G>T (p.Ala187Ser)

Gene: DCTN1 (dynactin subunit 1; minus strand). Cytogenetic location: 2p13.1.
Variant type: single nucleotide variant.
Coding change: c.559G>T on transcript NM_004082.5 (MANE Select); coding-DNA position 559, G replaced by T.
Protein change: p.Ala187Ser; replaces alanine 187 with serine.
Molecular consequence: missense variant. On other transcripts: non-coding transcript variant (1).
Genome position (GRCh38, 1-based): chr2:74,371,623, C>A on the plus strand (G>T on the coding strand, the complement: DCTN1 is on the minus strand). VCF-style: chr2-74371623-C-A. GRCh37 (hg19) VCF-style: chr2-74598750-C-A.
Other names: p.Ala187Ser; c.499G>T, p.Ala167Ser (NM_001135040.3); c.157G>T, p.Ala53Ser (NM_001135041.3, NM_023019.4); c.448G>T, p.Ala150Ser (NM_001190836.2); c.538G>T, p.Ala180Ser (NM_001190837.2); c.508G>T, p.Ala170Ser (NM_001378991.1); c.490G>T, p.Ala164Ser (NM_001378992.1); short protein forms A53S, A187S, A150S, A180S, A167S, A164S, A170S.
Identifiers: ClinVar variation 536161 (VCV000536161.14), dbSNP rs960727301, ClinGen allele CA50477530.

ClinVar aggregate classification (germline): Uncertain significance. Review status: criteria provided, multiple submitters, no conflicts (2 of 4 stars). 4 submissions from 4 submitters: Uncertain significance (4). Last evaluated 2025-08-23.

Conditions:
Inborn genetic diseases. Identifiers: MedGen C0950123, MeSH D030342.
Amyotrophic lateral sclerosis type 1 (ALS1). Also called: AMYOTROPHIC LATERAL SCLEROSIS 1, FAMILIAL. Identifiers: Orphanet 803, MedGen C1862939, MONDO:0007103, OMIM 105400.
Neuronopathy, distal hereditary motor, type 7B. Also called: HMN VIIB; LOWER MOTOR NEURON DISEASE, DYNACTIN TYPE; Distal Hereditary Motor Neuronopathy Type 7B (dHMN7B); NEURONOPATHY, DISTAL HEREDITARY MOTOR, AUTOSOMAL DOMINANT 14; NEURONOPATHY, DISTAL HEREDITARY MOTOR, HARDING TYPE VIIB; NEUROPATHY, DISTAL HEREDITARY MOTOR, HARDING TYPE VIIB. Identifiers: Orphanet 139589, MedGen C1843315, MONDO:0011879, OMIM 607641.
Perry syndrome. Also called: PARKINSONISM WITH ALVEOLAR HYPOVENTILATION AND MENTAL DEPRESSION. Identifiers: Orphanet 178509, MedGen C1868594, MONDO:0008201, OMIM 168605.

Allele frequency attached by ClinVar (database versions not stated): gnomAD exomes 0.00002 and 0.00003; TOPMed 0.00003; gnomAD 0.00004.
gnomAD v4.1: 46 of 1,590,382 alleles (0.0029%); highest among the groups gnomAD compares: Non-Finnish European, 0.0036%; no homozygotes.

Submissions (4):

Mayo Clinic Laboratories, Mayo Clinic
Classification: Uncertain significance. Last evaluated: 2025-08-23. Review status: criteria provided, single submitter. Criteria: ACMG Guidelines, 2015. Collection method: clinical testing. Allele origin: germline. Observed: 1 variant allele.

Labcorp Genetics (formerly Invitae), Labcorp
Classification: Uncertain significance for Amyotrophic lateral sclerosis type 1; Neuronopathy, distal hereditary motor, type 7B; Perry syndrome. Last evaluated: 2025-05-23. Review status: criteria provided, single submitter. Criteria: Invitae Variant Classification Sherloc (09022015). Collection method: clinical testing. Allele origin: germline.
Comment: This sequence change replaces alanine, which is neutral and non-polar, with serine, which is neutral and polar, at codon 187 of the DCTN1 protein (p.Ala187Ser). The frequency data for this variant in the population databases is considered unreliable, as metrics indicate poor data quality at this position in the gnomAD database. This variant has not been reported in the literature in individuals affected with DCTN1-related conditions. ClinVar contains an entry for this variant (Variation ID: 536161). Invitae Evidence Modeling of protein sequence and biophysical properties (such as structural, functional, and spatial information, amino acid conservation, physicochemical variation, residue mobility, and thermodynamic stability) indicates that this missense variant is not expected to disrupt DCTN1 protein function with a negative predictive value of 95%. In summary, the available evidence is currently insufficient to determine the role of this variant in disease. Therefore, it has been classified as a Variant of Uncertain Significance.

ARUP Laboratories, Molecular Genetics and Genomics, ARUP Laboratories
Classification: Uncertain significance. Last evaluated: 2023-12-18. Review status: criteria provided, single submitter. Criteria: ARUP Molecular Germline Variant Investigation Process 2024. Collection method: clinical testing. Allele origin: germline.
Comment: The DCTN1 c.559G>T; p.Ala187Ser variant (rs960727301), to our knowledge, is not reported in the medical literature but is reported in ClinVar (Variation ID: 536161). This variant is found in the general population with an overall allele frequency of 0.0025% (6/239428 alleles) in the Genome Aggregation Database (v2.1.1). Computational analyses are uncertain whether this variant is neutral or deleterious (REVEL: 0.320). Due to limited information, the clinical significance of this variant is uncertain at this time.

Ambry Genetics
Classification: Uncertain significance for Inborn genetic diseases. Last evaluated: 2021-06-12. Review status: criteria provided, single submitter. Criteria: Ambry Variant Classification Scheme 2023. Collection method: clinical testing. Allele origin: germline.
Comment: The p.A187S variant (also known as c.559G>T), located in coding exon 8 of the DCTN1 gene, results from a G to T substitution at nucleotide position 559. The alanine at codon 187 is replaced by serine, an amino acid with similar properties. This amino acid position is conserved. In addition, the in silico prediction for this alteration is inconclusive. Since supporting evidence is limited at this time, the clinical significance of this alteration remains unclear.